The following is an entry in ClinVar:

ClinVar aggregate classification (germline): Conflicting classifications of pathogenicity. Review status: criteria provided, conflicting classifications (1 of 4 stars). 2 submissions from 1 submitter: Uncertain significance (1); Likely benign (1). Last evaluated 2018-01-13.

Conditions:
Dilated cardiomyopathy 1U. Identifiers: Orphanet 154, MedGen C3160720, MONDO:0013371, OMIM 613694.
Alzheimer disease 3 (AD3). Also called: ALZHEIMER DISEASE, FAMILIAL, 3. Identifiers: Orphanet 1020, MedGen C1843013, MONDO:0011913, OMIM 607822.

Allele frequency attached by ClinVar (database versions not stated): TOPMed 0.00003; 1000 Genomes Project 30x 0.00047; 1000 Genomes Project 0.00060.
gnomAD v4.1: 9 of 152,266 alleles (0.0059%); highest among the groups gnomAD compares: East Asian, 0.17%; no homozygotes.

Submissions (2):

Illumina Laboratory Services, Illumina
Classification: Uncertain significance for Dilated cardiomyopathy 1U. Last evaluated: 2018-01-13. Review status: criteria provided, single submitter. Criteria: ICSL Variant Classification Criteria 13 December 2019. Collection method: clinical testing. Allele origin: germline.

Illumina Laboratory Services, Illumina
Classification: Likely benign for Alzheimer disease 3. Last evaluated: 2018-01-13. Review status: criteria provided, single submitter. Criteria: ICSL Variant Classification Criteria 13 December 2019. Collection method: clinical testing. Allele origin: germline.
Comment: This variant was observed in the ICSL laboratory as part of a predisposition screen in an ostensibly healthy population. It had not been previously curated by ICSL or reported in the Human Gene Mutation Database (HGMD: prior to June 1st, 2018), and was therefore a candidate for classification through an automated scoring system. Utilizing variant allele frequency, disease prevalence and penetrance estimates, and inheritance mode, an automated score was calculated to assess if this variant is too frequent to cause the disease. Based on the score and internal cut-off values, a variant classified as likely benign is not then subjected to further curation. The score for this variant resulted in a classification of likely benign for this disease.

NM_000021.4(PSEN1):c.*1484A>C

Gene: PSEN1 (presenilin 1; plus strand). Cytogenetic location: 14q24.2.
Variant type: single nucleotide variant.
Coding change: c.*1484A>C on transcript NM_000021.4 (MANE Select); 1484 bases downstream of the stop codon, A replaced by C.
Molecular consequence: 3 prime UTR variant.
Genome position (GRCh38, 1-based): chr14:73,220,773, A>C. VCF-style: chr14-73220773-A-C. GRCh37 (hg19) VCF-style: chr14-73687481-A-C.
Other names: c.*1484A>C (NM_007318.3).
Identifiers: ClinVar variation 886494 (VCV000886494.4), dbSNP rs147866042, ClinGen allele CA262621511.